The following is an entry in ClinVar:

NM_000194.3(HPRT1):c.212dup (p.Tyr72fs)

Gene: HPRT1 (hypoxanthine phosphoribosyltransferase 1; plus strand). Cytogenetic location: Xq26.2.
Variant type: Duplication.
Coding change: c.212dup on transcript NM_000194.3 (MANE Select); coding-DNA position 212, one base duplicated (G; older notation c.212dupG).
Protein change: p.Tyr72fs; shifts the reading frame from tyrosine 72.
Molecular consequence: frameshift variant.
Genome position (GRCh38, 1-based): chrX:134,475,258, G duplicated; the last of 6 consecutive G bases (chrX:134,475,253-134,475,258); duplicating any one gives the same sequence. VCF-style (leftmost placement, unchanged base first): chrX-134475252-A-AG. GRCh37 (hg19) VCF-style: chrX-133609282-A-AG.
Other names: HPRT,1-BP INS, 207G; c.212dupG (NM_000194.2); short protein forms Y72fs.
Identifiers: ClinVar variation 167181 (VCV000167181.20), dbSNP rs786200980, ClinGen allele CA273347.

ClinVar aggregate classification (germline): Pathogenic. Review status: criteria provided, multiple submitters, no conflicts (2 of 4 stars). 5 submissions from 5 submitters: Pathogenic (4). 1 of the submissions does not count toward it. Last evaluated 2026-04-07.

Conditions:
Lesch-Nyhan syndrome (LNS). Also called: HPRT DEFICIENCY, COMPLETE; Lesch-Nyhan Disease (LND). Identifiers: Orphanet 510, MedGen C0023374, MONDO:0010298, OMIM 300322.
Partial hypoxanthine-guanine phosphoribosyltransferase deficiency. Also called: HPRT1 DEFICIENCY, PARTIAL; GOUT, HPRT-RELATED; HPRT DEFICIENCY, PARTIAL; HYPOXANTHINE GUANINE PHOSPHORIBOSYLTRANSFERASE 1 DEFICIENCY, PARTIAL; Kelley-Seegmiller Syndrome. Identifiers: Orphanet 79233, MedGen C0268117, MONDO:0010299, OMIM 300323.

Submissions (5):

Dasa
Classification: Pathogenic. Last evaluated: 2026-04-07. Review status: criteria provided, single submitter. Criteria: DASA Assertion Criteria. Collection method: clinical testing. Allele origin: germline.
Comment: NM_000194.3(HPRT1):c.212dup (p.Tyr72Leufs*2) introduces a premature termination codon predicted to result in loss of normal protein function. Loss-of-function is an established mechanism of disease for this gene. This variant has been reported in individuals with related phenotype (PMID: 23975452). The variant is present at low frequency in population datasets. Based on the available data, this variant is classified as pathogenic.

Labcorp Genetics (formerly Invitae), Labcorp
Classification: Pathogenic for Lesch-Nyhan syndrome; Partial hypoxanthine-guanine phosphoribosyltransferase deficiency. Last evaluated: 2024-03-07. Review status: criteria provided, single submitter. Criteria: Invitae Variant Classification Sherloc (09022015). Collection method: clinical testing. Allele origin: germline.
Comment: This sequence change creates a premature translational stop signal (p.Tyr72Leufs*2) in the HPRT1 gene. It is expected to result in an absent or disrupted protein product. Loss-of-function variants in HPRT1 are known to be pathogenic (PMID: 15571220, 17027311, 22157001). This variant is not present in population databases (gnomAD no frequency). This premature translational stop signal has been observed in individuals with HPRT1-related conditions (PMID: 2928313, 23975452; Invitae). ClinVar contains an entry for this variant (Variation ID: 167181). For these reasons, this variant has been classified as Pathogenic.

Centre for Mendelian Genomics, University Medical Centre Ljubljana
Classification: Pathogenic for Lesch-Nyhan syndrome. Last evaluated: 2016-01-01. Review status: criteria provided, single submitter. Criteria: ACMG Guidelines, 2015. Collection method: clinical testing. Allele origin: unknown. Affected: yes.
Comment: This variant was classified as: Pathogenic. The following ACMG criteria were applied in classifying this variant: PVS1,PM2,PP4,PP5. This variant was detected in hemizygous state.

Eurofins Ntd Llc (ga)
Classification: Pathogenic. Last evaluated: 2014-04-23. Review status: criteria provided, single submitter. Criteria: EGL Classification Definitions. Collection method: clinical testing. Allele origin: germline. Observed: 2 variant alleles, 1 heterozygote, 1 hemizygote.

OMIM
Classification: Pathogenic for LESCH-NYHAN SYNDROME. Last evaluated: 1989-03-01. Review status: no assertion criteria provided. Collection method: literature only. Allele origin: germline. Not counted in ClinVar's aggregate classification.

Literature cited by the submitters: PubMed 23975452 (cited by 3 submitters); PubMed 15571220 (cited by Labcorp Genetics (formerly Invitae), Labcorp); PubMed 17027311 (cited by Labcorp Genetics (formerly Invitae), Labcorp); PubMed 22157001 (cited by Labcorp Genetics (formerly Invitae), Labcorp); PubMed 2928313 (cited by Labcorp Genetics (formerly Invitae), Labcorp and OMIM).